The following is an entry in ClinVar:

NM_005530.3(IDH3A):c.714+1G>A

Gene: IDH3A (isocitrate dehydrogenase (NAD(+)) 3 catalytic subunit alpha; plus strand). Cytogenetic location: 15q25.1.
Variant type: single nucleotide variant.
Coding change: c.714+1G>A on transcript NM_005530.3 (MANE Select); the canonical splice donor site of the intron after coding-DNA position 714, G replaced by A.
Molecular consequence: splice donor variant.
Genome position (GRCh38, 1-based): chr15:78,163,610, G>A. VCF-style: chr15-78163610-G-A. GRCh37 (hg19) VCF-style: chr15-78455952-G-A.
Identifiers: ClinVar variation 1067058 (VCV001067058.9), dbSNP rs1467467395, ClinGen allele CA393545336.

ClinVar aggregate classification (germline): Conflicting classifications of pathogenicity. Review status: criteria provided, conflicting classifications (1 of 4 stars). 2 submissions from 2 submitters: Likely pathogenic (1); Uncertain significance (1). Last evaluated 2025-11-17.

Allele frequency attached by ClinVar (database versions not stated): gnomAD exomes 0.00002; TOPMed 0.00003; gnomAD 0.00005 and 0.00006.

Submissions (2):

Labcorp Genetics (formerly Invitae), Labcorp
Classification: Likely pathogenic. Last evaluated: 2025-11-17. Review status: criteria provided, single submitter. Criteria: Invitae Variant Classification Sherloc (09022015). Collection method: clinical testing. Allele origin: germline.
Comment: This sequence change affects a donor splice site in intron 7 of the IDH3A gene. It is expected to disrupt RNA splicing. Variants that disrupt the donor or acceptor splice site typically lead to a loss of protein function (PMID: 16199547), and loss-of-function variants in IDH3A are known to be pathogenic (PMID: 28412069). This variant is not present in population databases (gnomAD no frequency). This variant has not been reported in the literature in individuals affected with IDH3A-related conditions. ClinVar contains an entry for this variant (Variation ID: 1067058). Algorithms developed to predict the effect of sequence changes on RNA splicing suggest that this variant may disrupt the consensus splice site. In summary, the currently available evidence indicates that the variant is pathogenic, but additional data are needed to prove that conclusively. Therefore, this variant has been classified as Likely Pathogenic.

Blueprint Genetics
Classification: Uncertain significance. Last evaluated: 2024-08-20. Review status: criteria provided, single submitter. Criteria: ACMG Guidelines, 2015. Collection method: clinical testing. Allele origin: germline.

Literature cited by the submitters: PubMed 16199547 (cited by Labcorp Genetics (formerly Invitae), Labcorp); PubMed 28412069 (cited by Labcorp Genetics (formerly Invitae), Labcorp).